The following is an entry in ClinVar:

NM_001368882.1(COL13A1):c.1339G>T (p.Gly447Ter)

Gene: COL13A1 (collagen type XIII alpha 1 chain; plus strand). Cytogenetic location: 10q22.1.
Variant type: single nucleotide variant.
Coding change: c.1339G>T on transcript NM_001368882.1 (MANE Select); coding-DNA position 1339, G replaced by T.
Protein change: p.Gly447Ter; replaces glycine 447 with a stop codon.
Molecular consequence: nonsense.
Genome position (GRCh38, 1-based): chr10:69,925,813, G>T. VCF-style: chr10-69925813-G-T. GRCh37 (hg19) VCF-style: chr10-71685569-G-T.
Other names: c.1303G>T, p.Gly435Ter (NM_001368883.1); c.1276G>T, p.Gly426Ter (NM_001368884.1, NM_001320951.2); c.1240G>T, p.Gly414Ter (NM_001368885.1, NM_080801.4, NM_080802.4); c.676G>T, p.Gly226Ter (NM_001368886.1); c.1249G>T, p.Gly417Ter (NM_001368895.1, NM_080800.4); c.1135G>T, p.Gly379Ter (NM_001368896.1, NM_001368898.1, NM_080798.4); c.1162G>T, p.Gly388Ter (NM_001368897.1); c.1306G>T, p.Gly436Ter (NM_001130103.2); and 1 more; short protein forms G226*, G379*, G385*, G388*, G414*, G417*, G426*, G435*.
Identifiers: ClinVar variation 4845280 (VCV004845280.1).

ClinVar aggregate classification (germline): Likely pathogenic (1 of 4 stars; one submission).

Conditions:
Congenital myasthenic syndrome 19. Identifiers: Orphanet 590, MedGen C4225235, MONDO:0014745, OMIM 616720.

Submission:

Pediatric Neurology, Ankara Etlik City Hospital, Health Sciences University
Classification: Likely pathogenic for Congenital myasthenic syndrome 19. Last evaluated: 2026-04-14. Review status: criteria provided, single submitter. Criteria: ACMG Guidelines, 2015. Collection method: clinical testing. Allele origin: germline. Inheritance: Autosomal recessive inheritance. Affected: yes. Observed: 3 variant alleles, 3 homozygotes.
Comment: PVS1 PM2